The following is an entry in ClinVar:

ClinVar aggregate classification (germline): Likely benign. Review status: criteria provided, multiple submitters, no conflicts (2 of 4 stars). 2 submissions from 2 submitters: Likely benign (2). Last evaluated 2026-09-01.

Allele frequency attached by ClinVar (database versions not stated): gnomAD exomes 0.00008; 1000 Genomes Project 30x 0.00016; ExAC 0.00017; gnomAD 0.00017; 1000 Genomes Project 0.00020; ESP Exome Variant Server 0.00023.
gnomAD v4.1: 135 of 1,605,820 alleles (0.0084%); highest among the groups gnomAD compares: Admixed American, 0.047%; no homozygotes.

Submissions (2):

CeGaT Center for Human Genetics Tuebingen
Classification: Likely benign. Last evaluated: 2026-09-01. Review status: criteria provided, single submitter. Criteria: CeGaT Center For Human Genetics Tuebingen Variant Classification Criteria Version 2. Collection method: clinical testing. Allele origin: germline. Affected: yes. Observed: 1 variant allele.
Comment: DLL1: BP4, BP7

Labcorp Genetics (formerly Invitae), Labcorp
Classification: Likely benign. Last evaluated: 2025-12-19. Review status: criteria provided, single submitter. Criteria: Invitae Variant Classification Sherloc (09022015). Collection method: clinical testing. Allele origin: germline.

NM_005618.4(DLL1):c.1383C>T (p.Gly461=)

Gene: DLL1 (delta like canonical Notch ligand 1; minus strand). Cytogenetic location: 6q27.
Variant type: single nucleotide variant.
Coding change: c.1383C>T on transcript NM_005618.4 (MANE Select); coding-DNA position 1383, C replaced by T.
Protein change: p.Gly461=; no amino-acid change (glycine 461 retained).
Molecular consequence: synonymous variant.
Genome position (GRCh38, 1-based): chr6:170,283,896, G>A on the plus strand (C>T on the coding strand, the complement: DLL1 is on the minus strand). VCF-style: chr6-170283896-G-A. GRCh37 (hg19) VCF-style: chr6-170592984-G-A.
Identifiers: ClinVar variation 2052639 (VCV002052639.5), dbSNP rs143249553, ClinGen allele CA4106838.